The following is an entry in ClinVar:

ClinVar aggregate classification (germline): Likely benign (1 of 4 stars; one submission).

Allele frequency attached by ClinVar (database versions not stated): ExAC 0.00016; gnomAD exomes 0.00037; 1000 Genomes Project 0.00120; 1000 Genomes Project 30x 0.00141; gnomAD 0.00163; TOPMed 0.00168.
gnomAD v4.1: 482 of 702,626 alleles (0.069%); highest among the groups gnomAD compares: African/African-American, 0.46%; 1 homozygote.

Submission:

CeGaT Center for Human Genetics Tuebingen
Classification: Likely benign. Last evaluated: 2022-04-01. Review status: criteria provided, single submitter. Criteria: CeGaT Center For Human Genetics Tuebingen Variant Classification Criteria Version 2. Collection method: clinical testing. Allele origin: germline. Affected: yes. Observed: 1 variant allele.
Comment: MYO15B: BP4, BP7

NM_001395058.1(MYO15B):c.9030G>A (p.Gly3010=)

Gene: MYO15B (myosin XVB; plus strand). Cytogenetic location: 17q25.1.
Variant type: single nucleotide variant.
Coding change: c.9030G>A on transcript NM_001395058.1 (MANE Select); coding-DNA position 9030, G replaced by A.
Protein change: p.Gly3010=; no amino-acid change (glycine 3010 retained).
Molecular consequence: synonymous variant.
Genome position (GRCh38, 1-based): chr17:75,625,935, G>A. VCF-style: chr17-75625935-G-A. GRCh37 (hg19) VCF-style: chr17-73622015-G-A.
Other names: c.8916G>A, p.Gly2972= (NM_001309242.2).
Identifiers: ClinVar variation 2648274 (VCV002648274.24), dbSNP rs558563169, ClinGen allele CA8766768.